The following is an entry in ClinVar:

ClinVar aggregate classification (germline): Uncertain significance. Review status: criteria provided, multiple submitters, no conflicts (2 of 4 stars). 3 submissions from 3 submitters: Uncertain significance (3). Last evaluated 2024-03-06.

Conditions:
Hereditary cancer-predisposing syndrome. Also called: Hereditary Cancer Syndrome; Tumor predisposition; Neoplastic Syndromes, Hereditary; Hereditary neoplastic syndrome. Identifiers: Orphanet 140162, MedGen C0027672, MeSH D009386, MONDO:0015356.
Familial adenomatous polyposis 1 (FAP1). Also called: FAMILIAL ADENOMATOUS POLYPOSIS 1, ATTENUATED; POLYPOSIS, ADENOMATOUS INTESTINAL. Identifiers: MedGen C2713442, MONDO:0021056, OMIM 175100. Disease mechanism: loss of function.

Allele frequency attached by ClinVar (database versions not stated): gnomAD below 0.00001 and 0.00001; gnomAD exomes below 0.00001.
gnomAD v4.1: 2 of 1,614,056 alleles (0.00012%); highest among the groups gnomAD compares: South Asian, 0.0011%; no homozygotes.

Submissions (3):

Color Diagnostics, LLC DBA Color Health
Classification: Uncertain significance for Hereditary cancer-predisposing syndrome. Last evaluated: 2024-03-06. Review status: criteria provided, single submitter. Criteria: ACMG Guidelines, 2015. Collection method: clinical testing. Allele origin: germline.
Comment: This missense variant replaces asparagine with serine at codon 1533 of the APC protein. Computational prediction suggests that this variant may not impact protein structure and function (internally defined REVEL score threshold <= 0.5, PMID: 27666373). To our knowledge, functional studies have not been reported for this variant. This variant has not been reported in individuals affected with hereditary cancer in the literature. This variant has not been identified in the general population by the Genome Aggregation Database (gnomAD). The available evidence is insufficient to determine the role of this variant in disease conclusively. Therefore, this variant is classified as a Variant of Uncertain Significance.

Labcorp Genetics (formerly Invitae), Labcorp
Classification: Uncertain significance for Familial adenomatous polyposis 1. Last evaluated: 2022-03-05. Review status: criteria provided, single submitter. Criteria: Invitae Variant Classification Sherloc (09022015). Collection method: clinical testing. Allele origin: germline.
Comment: This sequence change replaces asparagine, which is neutral and polar, with serine, which is neutral and polar, at codon 1533 of the APC protein (p.Asn1533Ser). In summary, the available evidence is currently insufficient to determine the role of this variant in disease. Therefore, it has been classified as a Variant of Uncertain Significance. Algorithms developed to predict the effect of missense changes on protein structure and function (SIFT, PolyPhen-2, Align-GVGD) all suggest that this variant is likely to be tolerated. ClinVar contains an entry for this variant (Variation ID: 1016154). This variant has not been reported in the literature in individuals affected with APC-related conditions. This variant is not present in population databases (gnomAD no frequency).

Ambry Genetics
Classification: Uncertain significance for Hereditary cancer-predisposing syndrome. Last evaluated: 2021-08-10. Review status: criteria provided, single submitter. Criteria: Ambry Variant Classification Scheme 2023. Collection method: clinical testing. Allele origin: germline.
Comment: The p.N1533S variant (also known as c.4598A>G), located in coding exon 15 of the APC gene, results from an A to G substitution at nucleotide position 4598. The asparagine at codon 1533 is replaced by serine, an amino acid with highly similar properties. This amino acid position is not well conserved in available vertebrate species. In addition, in silico predictors for this gene do not accurately predict pathogenicity. Since supporting evidence is limited at this time, the clinical significance of this alteration remains unclear.

NM_000038.6(APC):c.4598A>G (p.Asn1533Ser)

Gene: APC (APC regulator of Wnt signaling pathway; plus strand). Cytogenetic location: 5q22.2.
Variant type: single nucleotide variant.
Coding change: c.4598A>G on transcript NM_000038.6 (MANE Select); coding-DNA position 4598, A replaced by G.
Protein change: p.Asn1533Ser; replaces asparagine 1533 with serine.
Molecular consequence: missense variant.
Genome position (GRCh38, 1-based): chr5:112,840,192, A>G. VCF-style: chr5-112840192-A-G. GRCh37 (hg19) VCF-style: chr5-112175889-A-G.
Other names: c.4598A>G, p.Asn1533Ser (NM_001127510.3, NM_001354895.2); c.4544A>G, p.Asn1515Ser (NM_001127511.3); c.4652A>G, p.Asn1551Ser (NM_001354896.2); c.4628A>G, p.Asn1543Ser (NM_001354897.2); c.4523A>G, p.Asn1508Ser (NM_001354898.2); c.4514A>G, p.Asn1505Ser (NM_001354899.2); c.4475A>G, p.Asn1492Ser (NM_001354900.2); c.4421A>G, p.Asn1474Ser (NM_001354901.2); and 5 more; short protein forms N1250S, N1373S, N1407S, N1432S, N1442S, N1474S, N1492S, N1505S.
Identifiers: ClinVar variation 1016154 (VCV001016154.13), dbSNP rs1765719392, ClinGen allele CA16031402.